The following is an entry in ClinVar:

ClinVar aggregate classification (germline): Uncertain significance (1 of 4 stars; one submission).

Allele frequency attached by ClinVar (database versions not stated): gnomAD exomes below 0.00001.
gnomAD v4.1: 1 of 1,612,214 alleles (0.000062%); highest among the groups gnomAD compares: Non-Finnish European, 0.000085%; no homozygotes.

Submission:

Labcorp Genetics (formerly Invitae), Labcorp
Classification: Uncertain significance. Last evaluated: 2023-09-22. Review status: criteria provided, single submitter. Criteria: Invitae Variant Classification Sherloc (09022015). Collection method: clinical testing. Allele origin: germline.
Comment: Algorithms developed to predict the effect of sequence changes on RNA splicing suggest that this variant may disrupt the consensus splice site. In summary, the available evidence is currently insufficient to determine the role of this variant in disease. Therefore, it has been classified as a Variant of Uncertain Significance. This sequence change affects an acceptor splice site in intron 19 of the ANKRD26 gene. It is expected to disrupt RNA splicing. Variants that disrupt the donor or acceptor splice site typically lead to a loss of protein function (PMID: 16199547), however the current clinical and genetic evidence is not sufficient to establish whether loss-of-function variants in ANKRD26 cause disease. This variant is not present in population databases (gnomAD no frequency). This variant has not been reported in the literature in individuals affected with ANKRD26-related conditions.

Literature cited by the submitters: PubMed 16199547.

NM_014915.3(ANKRD26):c.2020-2A>G

Gene: ANKRD26 (ankyrin repeat domain 26; minus strand). Cytogenetic location: 10p12.1.
Variant type: single nucleotide variant.
Coding change: c.2020-2A>G on transcript NM_014915.3 (MANE Select); the canonical splice acceptor site of the intron before coding-DNA position 2020, A replaced by G.
Molecular consequence: splice acceptor variant.
Genome position (GRCh38, 1-based): chr10:27,043,569, T>C on the plus strand (A>G on the coding strand, the complement: ANKRD26 is on the minus strand). VCF-style: chr10-27043569-T-C. GRCh37 (hg19) VCF-style: chr10-27332498-T-C.
Other names: c.2017-2A>G (NM_001256053.2).
Identifiers: ClinVar variation 2900469 (VCV002900469.3), dbSNP rs2538840402, ClinGen allele CA376369023.